The following is an entry in ClinVar:

NM_018297.4(NGLY1):c.305G>A (p.Arg102His)

Gene: NGLY1 (N-glycanase 1; minus strand). Cytogenetic location: 3p24.2.
Variant type: single nucleotide variant.
Coding change: c.305G>A on transcript NM_018297.4 (MANE Select); coding-DNA position 305, G replaced by A.
Protein change: p.Arg102His; replaces arginine 102 with histidine.
Molecular consequence: missense variant.
Genome position (GRCh38, 1-based): chr3:25,764,253, C>T on the plus strand (G>A on the coding strand, the complement: NGLY1 is on the minus strand). VCF-style: chr3-25764253-C-T. GRCh37 (hg19) VCF-style: chr3-25805744-C-T.
Other names: c.305G>A, p.Arg102His (NM_001145293.2, NM_001145295.2); c.179G>A, p.Arg60His (NM_001145294.2); short protein forms R102H, R60H.
Identifiers: ClinVar variation 1432982 (VCV001432982.5), dbSNP rs750589736, ClinGen allele CA2289516.

ClinVar aggregate classification (germline): Uncertain significance (1 of 4 stars; one submission).

Conditions:
Congenital disorder of deglycosylation (CDDG). Identifiers: MedGen C3808991, MONDO:0031376.

Allele frequency attached by ClinVar (database versions not stated): ExAC 0.00003; gnomAD 0.00001; TOPMed 0.00001; gnomAD exomes 0.00002.
gnomAD v4.1: 18 of 1,613,864 alleles (0.0011%); highest among the groups gnomAD compares: South Asian, 0.0055%; no homozygotes.

Submission:

Labcorp Genetics (formerly Invitae), Labcorp
Classification: Uncertain significance for Congenital disorder of deglycosylation. Last evaluated: 2022-06-27. Review status: criteria provided, single submitter. Criteria: Invitae Variant Classification Sherloc (09022015). Collection method: clinical testing. Allele origin: germline.
Comment: This sequence change replaces arginine, which is basic and polar, with histidine, which is basic and polar, at codon 102 of the NGLY1 protein (p.Arg102His). This variant is present in population databases (rs750589736, gnomAD 0.01%). This variant has not been reported in the literature in individuals affected with NGLY1-related conditions. Algorithms developed to predict the effect of missense changes on protein structure and function are either unavailable or do not agree on the potential impact of this missense change (SIFT: "Deleterious"; PolyPhen-2: "Possibly Damaging"; Align-GVGD: "Class C0"). In summary, the available evidence is currently insufficient to determine the role of this variant in disease. Therefore, it has been classified as a Variant of Uncertain Significance.